The following is an entry in ClinVar:

ClinVar aggregate classification (germline): Uncertain significance (1 of 4 stars; one submission).

Conditions:
Hereditary cancer-predisposing syndrome. Also called: Neoplastic Syndromes, Hereditary; Tumor predisposition; Hereditary Cancer Syndrome; Hereditary neoplastic syndrome. Identifiers: Orphanet 140162, MedGen C0027672, MeSH D009386, MONDO:0015356.

gnomAD v4.1: 2 of 1,583,622 alleles (0.00013%); highest among the groups gnomAD compares: African/African-American, 0.0014%; no homozygotes.

Submission:

Ambry Genetics
Classification: Uncertain significance for Hereditary cancer-predisposing syndrome. Last evaluated: 2024-09-12. Review status: criteria provided, single submitter. Criteria: Ambry Variant Classification Scheme 2023. Collection method: clinical testing. Allele origin: germline.
Comment: The p.G215C variant (also known as c.643G>T), located in coding exon 3 of the PHOX2B gene, results from a G to T substitution at nucleotide position 643. The glycine at codon 215 is replaced by cysteine, an amino acid with highly dissimilar properties. This amino acid position is conserved. In addition, the in silico prediction for this alteration is inconclusive. Based on the available evidence, the clinical significance of this variant remains unclear.

NM_003924.4(PHOX2B):c.643G>T (p.Gly215Cys)

Gene: PHOX2B (paired like homeobox 2B; minus strand). Cytogenetic location: 4p13.
Variant type: single nucleotide variant.
Coding change: c.643G>T on transcript NM_003924.4 (MANE Select); coding-DNA position 643, G replaced by T.
Protein change: p.Gly215Cys; replaces glycine 215 with cysteine.
Molecular consequence: missense variant.
Genome position (GRCh38, 1-based): chr4:41,746,109, C>A on the plus strand (G>T on the coding strand, the complement: PHOX2B is on the minus strand). VCF-style: chr4-41746109-C-A. GRCh37 (hg19) VCF-style: chr4-41748126-C-A.
Other names: short protein forms G215C.
Identifiers: ClinVar variation 3417944 (VCV003417944.1).